The following is an entry in ClinVar:

ClinVar aggregate classification (germline): Likely benign. Review status: criteria provided, multiple submitters, no conflicts (2 of 4 stars). 3 submissions from 3 submitters: Likely benign (3). Last evaluated 2024-07-30.

Conditions:
Cardiovascular phenotype. Identifiers: MedGen CN230736.
Hereditary hemorrhagic telangiectasia (HHT). Also called: Osler hemorrhagic telangiectasia syndrome; ORW DISEASE; Osler Weber Rendu syndrome; OSLER-RENDU-WEBER DISEASE. Identifiers: Orphanet 774, MedGen C0039445, MONDO:0019180. Disease mechanism: loss of function.

Allele frequency attached by ClinVar (database versions not stated): ExAC 0.00002; gnomAD exomes 0.00002; gnomAD 0.00004; TOPMed 0.00005.

Submissions (3):

Labcorp Genetics (formerly Invitae), Labcorp
Classification: Likely benign for Hereditary hemorrhagic telangiectasia. Last evaluated: 2024-07-30. Review status: criteria provided, single submitter. Criteria: Invitae Variant Classification Sherloc (09022015). Collection method: clinical testing. Allele origin: germline.

Ambry Genetics
Classification: Likely benign for Cardiovascular phenotype. Last evaluated: 2022-07-29. Review status: criteria provided, single submitter. Criteria: Ambry Variant Classification Scheme 2023. Collection method: clinical testing. Allele origin: germline.

CeGaT Center for Human Genetics Tuebingen
Classification: Likely benign. Last evaluated: 2022-03-01. Review status: criteria provided, single submitter. Criteria: CeGaT Center For Human Genetics Tuebingen Variant Classification Criteria Version 2. Collection method: clinical testing. Allele origin: germline. Affected: yes. Observed: 1 variant allele.
Comment: ENG: BP4, BP7

NM_001114753.3(ENG):c.705G>A (p.Thr235=)

Gene: ENG (endoglin; minus strand). Cytogenetic location: 9q34.11.
Variant type: single nucleotide variant.
Coding change: c.705G>A on transcript NM_001114753.3 (MANE Select); coding-DNA position 705, G replaced by A.
Protein change: p.Thr235=; no amino-acid change (threonine 235 retained).
Molecular consequence: synonymous variant.
Genome position (GRCh38, 1-based): chr9:127,825,342, C>T on the plus strand (G>A on the coding strand, the complement: ENG is on the minus strand). VCF-style: chr9-127825342-C-T. GRCh37 (hg19) VCF-style: chr9-130587621-C-T.
Other names: c.705G>A, p.Thr235= (NM_000118.4, NM_001406715.1); c.159G>A, p.Thr53= (NM_001278138.2).
Identifiers: ClinVar variation 1138937 (VCV001138937.36), dbSNP rs755116051, ClinGen allele CA5253008.